The following is an entry in ClinVar:

ClinVar aggregate classification (germline): Uncertain significance. Review status: criteria provided, multiple submitters, no conflicts (2 of 4 stars). 3 submissions from 3 submitters: Uncertain significance (2). 1 of the submissions does not count toward it. Last evaluated 2025-03-27.

Conditions:
IRF2BP2-related disorder. Also called: IRF2BP2-related condition.

Allele frequency attached by ClinVar (database versions not stated): gnomAD 0.00001; TOPMed 0.00001; gnomAD exomes 0.00002; ExAC 0.00008.
gnomAD v4.1: 22 of 1,522,170 alleles (0.0014%); highest among the groups gnomAD compares: Non-Finnish European, 0.0017%; no homozygotes.

Submissions (3):

Labcorp Genetics (formerly Invitae), Labcorp
Classification: Uncertain significance. Last evaluated: 2025-03-27. Review status: criteria provided, single submitter. Criteria: Invitae Variant Classification Sherloc (09022015). Collection method: clinical testing. Allele origin: germline.
Comment: This sequence change replaces alanine, which is neutral and non-polar, with threonine, which is neutral and polar, at codon 276 of the IRF2BP2 protein (p.Ala276Thr). The frequency data for this variant in the population databases is considered unreliable, as metrics indicate poor data quality at this position in the gnomAD database. This variant has not been reported in the literature in individuals affected with IRF2BP2-related conditions. ClinVar contains an entry for this variant (Variation ID: 1483374). An algorithm developed to predict the effect of missense changes on protein structure and function outputs the following: PolyPhen-2: "Benign". The threonine amino acid residue is found in multiple mammalian species, which suggests that this missense change does not adversely affect protein function. In summary, the available evidence is currently insufficient to determine the role of this variant in disease. Therefore, it has been classified as a Variant of Uncertain Significance.

Ambry Genetics
Classification: Uncertain significance. Last evaluated: 2024-12-07. Review status: criteria provided, single submitter. Criteria: Ambry Variant Classification Scheme 2023. Collection method: clinical testing. Allele origin: germline.

PreventionGenetics, part of Exact Sciences
Classification: Uncertain significance for IRF2BP2-related condition. Last evaluated: 2024-07-08. Review status: no assertion criteria provided. Collection method: clinical testing. Allele origin: germline. Not counted in ClinVar's aggregate classification.
Comment: The IRF2BP2 c.826G>A variant is predicted to result in the amino acid substitution p.Ala276Thr. To our knowledge, this variant has not been reported in the literature. This variant is reported in 0.0034% of alleles in individuals of European (Non-Finnish) descent in gnomAD. At this time, the clinical significance of this variant is uncertain due to the absence of conclusive functional and genetic evidence.

NM_182972.3(IRF2BP2):c.826G>A (p.Ala276Thr)

Gene: IRF2BP2 (interferon regulatory factor 2 binding protein 2; minus strand). Cytogenetic location: 1q42.3.
Variant type: single nucleotide variant.
Coding change: c.826G>A on transcript NM_182972.3 (MANE Select); coding-DNA position 826, G replaced by A.
Protein change: p.Ala276Thr; replaces alanine 276 with threonine.
Molecular consequence: missense variant.
Genome position (GRCh38, 1-based): chr1:234,608,669, C>T on the plus strand (G>A on the coding strand, the complement: IRF2BP2 is on the minus strand). VCF-style: chr1-234608669-C-T. GRCh37 (hg19) VCF-style: chr1-234744415-C-T.
Other names: c.826G>A (NM_182972.2); c.826G>A, p.Ala276Thr (NM_001077397.1); short protein forms A276T.
Identifiers: ClinVar variation 1483374 (VCV001483374.10), dbSNP rs751288558, ClinGen allele CA1461768.
Genomic context (GRCh38, chr1:234,608,669, plus strand): 5'-GCTCTCCAGACCCGCGGCTCTTGCCCGCACCTTCCGCGCTCAGCTCGGCGGCCCCGGCCG[C>T]GGTGGACAGGCTGTCGGCCGGGCCCCGGTGCGCAGGCGGCGGCGGTTGTTTCTCCTTGGC-3'
Protein context (NP_892017.2, residues 266-286): HRGPADSLST[Ala276Thr]AGAAELSAEG